The following is an entry in ClinVar:

ClinVar aggregate classification (germline): Likely benign. Review status: criteria provided, multiple submitters, no conflicts (2 of 4 stars). 2 submissions from 2 submitters: Likely benign (2). Last evaluated 2024-06-04.

Conditions:
Hypokalemic periodic paralysis, type 1. Also called: HypoPP; Hypokalemic Periodic Paralysis Type 1 (AD). Identifiers: Orphanet 681, MedGen C3714580, MONDO:0042979, OMIM 170400.
Malignant hyperthermia, susceptibility to, 5 (MHS5). Also called: CACNA1S-Related Malignant Hyperthermia Susceptibility. Identifiers: Orphanet 423, MedGen C1866077, MONDO:0011163, OMIM 601887.

Allele frequency attached by ClinVar (database versions not stated): gnomAD exomes below 0.00001; ExAC 0.00001.
gnomAD v4.1: 5 of 1,613,674 alleles (0.00031%); highest among the groups gnomAD compares: Non-Finnish European, 0.00042%; no homozygotes.

Submissions (2):

Labcorp Genetics (formerly Invitae), Labcorp
Classification: Likely benign for Hypokalemic periodic paralysis, type 1; Malignant hyperthermia, susceptibility to, 5. Last evaluated: 2024-06-04. Review status: criteria provided, single submitter. Criteria: Invitae Variant Classification Sherloc (09022015). Collection method: clinical testing. Allele origin: germline.

CeGaT Center for Human Genetics Tuebingen
Classification: Likely benign. Last evaluated: 2024-01-01. Review status: criteria provided, single submitter. Criteria: CeGaT Center For Human Genetics Tuebingen Variant Classification Criteria Version 2. Collection method: clinical testing. Allele origin: germline. Affected: yes. Observed: 1 variant allele.
Comment: CACNA1S: BP4, BP7

NM_000069.3(CACNA1S):c.5139C>T (p.Pro1713=)

Gene: CACNA1S (calcium voltage-gated channel subunit alpha1 S; minus strand). Cytogenetic location: 1q32.1.
Variant type: single nucleotide variant.
Coding change: c.5139C>T on transcript NM_000069.3 (MANE Select); coding-DNA position 5139, C replaced by T.
Protein change: p.Pro1713=; no amino-acid change (proline 1713 retained).
Molecular consequence: synonymous variant.
Genome position (GRCh38, 1-based): chr1:201,040,709, G>A on the plus strand (C>T on the coding strand, the complement: CACNA1S is on the minus strand). VCF-style: chr1-201040709-G-A. GRCh37 (hg19) VCF-style: chr1-201009837-G-A.
Identifiers: ClinVar variation 2925903 (VCV002925903.25), dbSNP rs751708117, ClinGen allele CA083748.